The following is an entry in ClinVar:

NM_001080477.4(TENM3):c.2585+9T>G

Gene: TENM3 (teneurin transmembrane protein 3; plus strand). Cytogenetic location: 4q35.1.
Variant type: single nucleotide variant.
Coding change: c.2585+9T>G on transcript NM_001080477.4 (MANE Select); 9 bases into the intron after coding-DNA position 2585, T replaced by G.
Molecular consequence: intron variant.
Genome position (GRCh38, 1-based): chr4:182,729,190, T>G. VCF-style: chr4-182729190-T-G. GRCh37 (hg19) VCF-style: chr4-183650343-T-G.
Other names: c.2585+9T>G (NM_001415969.1, NM_001415971.1, NM_001415974.1 and 4 more transcripts); c.2306+9T>G (NM_001415976.1, NM_001415967.1, NM_001415977.1 and 1 more transcripts); c.1796+9T>G (NM_001415960.1); c.1769+9T>G (NM_001415961.1, NM_001415962.1, NM_001415963.1 and 1 more transcripts).
Identifiers: ClinVar variation 3051474 (VCV003051474.2), dbSNP rs779282836, ClinGen allele CA3148009.
Genomic context (GRCh38, chr4:182,729,190, plus strand): 5'-TAGGATCTGATAGCACCCATGTTATACCTGGAGAAAGTCCTTTCAATAAGAGGTTAATGC[T>G]TCTTTTCCATATGTAGATTTGTAATGATGTTATCAACAGTTACATACACTTATGTGAAAT-3'

ClinVar aggregate classification (germline): Likely benign (0 of 4 stars; one submission).

Conditions:
TENM3-related disorder. Also called: TENM3-related condition.

Allele frequency attached by ClinVar (database versions not stated): ExAC 0.00003.
gnomAD v4.1: 12 of 1,594,874 alleles (0.00075%); highest among the groups gnomAD compares: Admixed American, 0.017%; no homozygotes.

Submission:

PreventionGenetics, part of Exact Sciences
Classification: Likely benign for TENM3-related condition. Last evaluated: 2020-01-13. Review status: no assertion criteria provided. Collection method: clinical testing. Allele origin: germline.
Comment: This variant is classified as likely benign based on ACMG/AMP sequence variant interpretation guidelines (Richards et al. 2015 PMID: 25741868, with internal and published modifications).